The following is an entry in ClinVar:

NM_003466.4(PAX8):c.580G>A (p.Asp194Asn)

Genes: PAX8 (paired box 8; minus strand), PAX8-AS1 (PAX8 antisense RNA 1; plus strand), LOC126806316 (P300/CBP strongly-dependent group 1 enhancer GRCh37_chr2:113998497-113999696; plus strand). Cytogenetic location: 2q14.1.
Variant type: single nucleotide variant.
Coding change: c.580G>A on transcript NM_003466.4 (MANE Select); coding-DNA position 580, G replaced by A.
Protein change: p.Asp194Asn; replaces aspartic acid 194 with asparagine.
Molecular consequence: missense variant.
Genome position (GRCh38, 1-based): chr2:113,242,029, C>T on the plus strand (G>A on the coding strand, the complement: PAX8 is on the minus strand). VCF-style: chr2-113242029-C-T. GRCh37 (hg19) VCF-style: chr2-113999606-C-T.
Other names: c.580G>A, p.Asp194Asn (NM_013952.4, NM_013953.4, NM_013992.4); short protein forms D194N.
Identifiers: ClinVar variation 1049019 (VCV001049019.1), dbSNP rs769309449, ClinGen allele CA1840187.

ClinVar aggregate classification (germline): Uncertain significance (0 of 4 stars; one submission).

Allele frequency attached by ClinVar (database versions not stated): TOPMed 0.00002.
gnomAD v4.1: 24 of 1,613,552 alleles (0.0015%); highest among the groups gnomAD compares: African/African-American, 0.004%; no homozygotes.

Submission:

Department of Pathology and Laboratory Medicine, Sinai Health System
Classification: Uncertain significance. Review status: no assertion criteria provided. Collection method: clinical testing. Allele origin: unknown. Affected: yes. Study: The Canadian Open Genetics Repository (COGR).
Comment: The PAX8 p.Asp194Asn variant was not identified in the literature nor was it identified in ClinVar or LOVD 3.0. The variant was identified in dbSNP (ID: rs769309449) and in control databases in 7 of 247770 chromosomes at a frequency of 0.00002825 (Genome Aggregation Database March 6, 2019, v2.1.1). The variant was observed in the following populations: Other in 1 of 6020 chromosomes (freq: 0.000166), Ashkenazi Jewish in 1 of 10050 chromosomes (freq: 0.0001), African in 1 of 15362 chromosomes (freq: 0.000065), European (Finnish) in 1 of 21162 chromosomes (freq: 0.000047), South Asian in 1 of 30434 chromosomes (freq: 0.000033) and European (non-Finnish) in 2 of 112424 chromosomes (freq: 0.000018), but was not observed in the Latino or East Asian populations. The p.Asp194 residue is conserved in mammals and computational analyses (PolyPhen-2, SIFT, AlignGVGD, BLOSUM, MutationTaster) provide inconsistent predictions regarding the impact to the protein; this information is not very predictive of pathogenicity. The variant occurs outside of the splicing consensus sequence and in silico or computational prediction software programs (SpliceSiteFinder, MaxEntScan, NNSPLICE, GeneSplicer) do not predict a difference in splicing. In summary, based on the above information the clinical significance of this variant cannot be determined with certainty at this time. This variant is classified as a variant of uncertain significance.